The following is an entry in ClinVar:

NM_006231.4(POLE):c.4343A>C (p.Asn1448Thr)

Gene: POLE (DNA polymerase epsilon, catalytic subunit; minus strand). Cytogenetic location: 12q24.33.
Variant type: single nucleotide variant.
Coding change: c.4343A>C on transcript NM_006231.4 (MANE Select); coding-DNA position 4343, A replaced by C.
Protein change: p.Asn1448Thr; replaces asparagine 1448 with threonine.
Molecular consequence: missense variant.
Genome position (GRCh38, 1-based): chr12:132,643,508, T>G on the plus strand (A>C on the coding strand, the complement: POLE is on the minus strand). VCF-style: chr12-132643508-T-G. GRCh37 (hg19) VCF-style: chr12-133220094-T-G.
Other names: short protein forms N1448T.
Identifiers: ClinVar variation 1521834 (VCV001521834.8), dbSNP rs150545516, ClinGen allele CA387381392.
Genomic context (GRCh38, chr12:132,643,508, plus strand): 5'-AGGTGCTCAAGAGCAAAGGTCTCTGCTTCCCAGCCTGAAAGGTGCCTCACCAGCTGTTTA[T>G]TGACCACACACACACAGCCCAGGTGCACCAGGGCCCGGAACAGTAACGGAACCTGGAAGA-3'
Protein context (NP_006222.2, residues 1438-1458): LVHLGCVCVV[Asn1448Thr]KQLVRHLSGW

ClinVar aggregate classification (germline): Uncertain significance (1 of 4 stars; one submission).

Submission:

Labcorp Genetics (formerly Invitae), Labcorp
Classification: Uncertain significance. Last evaluated: 2021-05-25. Review status: criteria provided, single submitter. Criteria: Invitae Variant Classification Sherloc (09022015). Collection method: clinical testing. Allele origin: germline.
Comment: In summary, the available evidence is currently insufficient to determine the role of this variant in disease. Therefore, it has been classified as a Variant of Uncertain Significance. Algorithms developed to predict the effect of missense changes on protein structure and function (SIFT, PolyPhen-2, Align-GVGD) all suggest that this variant is likely to be tolerated, but these predictions have not been confirmed by published functional studies and their clinical significance is uncertain. This variant has not been reported in the literature in individuals with POLE-related conditions. This variant is not present in population databases (ExAC no frequency). This sequence change replaces asparagine with threonine at codon 1448 of the POLE protein (p.Asn1448Thr). The asparagine residue is weakly conserved and there is a small physicochemical difference between asparagine and threonine.